The following is an entry in ClinVar:

ClinVar aggregate classification (germline): Uncertain significance (1 of 4 stars; one submission).

Allele frequency attached by ClinVar (database versions not stated): gnomAD exomes below 0.00001.
gnomAD v4.1: 3 of 1,611,380 alleles (0.00019%); highest among the groups gnomAD compares: Non-Finnish European, 0.00025%; no homozygotes.

Submission:

Labcorp Genetics (formerly Invitae), Labcorp
Classification: Uncertain significance. Last evaluated: 2022-11-15. Review status: criteria provided, single submitter. Criteria: Invitae Variant Classification Sherloc (09022015). Collection method: clinical testing. Allele origin: germline.
Comment: In summary, the available evidence is currently insufficient to determine the role of this variant in disease. Therefore, it has been classified as a Variant of Uncertain Significance. Algorithms developed to predict the effect of missense changes on protein structure and function (SIFT, PolyPhen-2, Align-GVGD) all suggest that this variant is likely to be disruptive. ClinVar contains an entry for this variant (Variation ID: 1481176). This missense change has been observed in individuals with retinitis pigmentosa (Invitae). This variant is not present in population databases (gnomAD no frequency). This sequence change replaces serine, which is neutral and polar, with phenylalanine, which is neutral and non-polar, at codon 482 of the ZNF408 protein (p.Ser482Phe).

NM_024741.3(ZNF408):c.1445C>T (p.Ser482Phe)

Gene: ZNF408 (zinc finger protein 408; plus strand). Cytogenetic location: 11p11.2.
Variant type: single nucleotide variant.
Coding change: c.1445C>T on transcript NM_024741.3 (MANE Select); coding-DNA position 1445, C replaced by T.
Protein change: p.Ser482Phe; replaces serine 482 with phenylalanine.
Molecular consequence: missense variant.
Genome position (GRCh38, 1-based): chr11:46,705,145, C>T. VCF-style: chr11-46705145-C-T. GRCh37 (hg19) VCF-style: chr11-46726695-C-T.
Other names: c.1421C>T, p.Ser474Phe (NM_001184751.2); short protein forms S482F, S474F.
Identifiers: ClinVar variation 1481176 (VCV001481176.6), dbSNP rs2134510584, ClinGen allele CA380256111.